The following is an entry in ClinVar:

ClinVar aggregate classification (germline): Uncertain significance. Review status: criteria provided, multiple submitters, no conflicts (2 of 4 stars). 2 submissions from 2 submitters: Uncertain significance (2). Last evaluated 2025-06-06.

Conditions:
TTN-related disorder. Also called: TTN-related condition; TTN-related disease; TTN-related disorders.

Allele frequency attached by ClinVar (database versions not stated): gnomAD exomes below 0.00001; gnomAD 0.00001; TOPMed 0.00001.
gnomAD v4.1: 3 of 1,613,504 alleles (0.00019%); highest among the groups gnomAD compares: African/African-American, 0.004%; no homozygotes.

Submissions (2):

PreventionGenetics, part of Exact Sciences
Classification: Uncertain significance for TTN-related condition. Last evaluated: 2025-06-06. Review status: criteria provided, single submitter. Criteria: ACMG Guidelines, 2015. Collection method: clinical testing. Allele origin: germline.
Comment: The TTN c.3598C>T variant is predicted to result in the amino acid substitution p.Pro1200Ser. To our knowledge, this variant has not been reported in the literature. This variant is reported in 0.011% of alleles in individuals of African descent in gnomAD. At this time, the clinical significance of this variant is uncertain due to the absence of conclusive functional and genetic evidence.

Revvity Omics, Revvity
Classification: Uncertain significance. Last evaluated: 2021-01-06. Review status: criteria provided, single submitter. Criteria: ACMG Guidelines, 2015. Collection method: clinical testing. Allele origin: germline.

NM_001267550.2(TTN):c.3598C>T (p.Pro1200Ser)

Gene: TTN (titin; minus strand). Cytogenetic location: 2q31.2.
Variant type: single nucleotide variant.
Coding change: c.3598C>T on transcript NM_001267550.2 (MANE Select); coding-DNA position 3598, C replaced by T.
Protein change: p.Pro1200Ser; replaces proline 1200 with serine.
Molecular consequence: missense variant.
Genome position (GRCh38, 1-based): chr2:178,780,131, G>A on the plus strand (C>T on the coding strand, the complement: TTN is on the minus strand). VCF-style: chr2-178780131-G-A. GRCh37 (hg19) VCF-style: chr2-179644858-G-A.
Other names: c.3460C>T, p.Pro1154Ser (NM_003319.4, NM_133432.3, NM_133437.4); c.3598C>T, p.Pro1200Ser (NM_133378.4, NM_133379.5, NM_001256850.1); short protein forms P1154S, P1200S.
Identifiers: ClinVar variation 2437896 (VCV002437896.4), dbSNP rs1458124138, ClinGen allele CA349482684.